The following is an entry in ClinVar:

NM_014806.5(RUSC2):c.3443T>C (p.Val1148Ala)

Gene: RUSC2 (RUN and SH3 domain containing 2; plus strand). Cytogenetic location: 9p13.3.
Variant type: single nucleotide variant.
Coding change: c.3443T>C on transcript NM_014806.5 (MANE Select); coding-DNA position 3443, T replaced by C.
Protein change: p.Val1148Ala; replaces valine 1148 with alanine.
Molecular consequence: missense variant. On other transcripts: non-coding transcript variant (1).
Genome position (GRCh38, 1-based): chr9:35,560,083, T>C. VCF-style: chr9-35560083-T-C. GRCh37 (hg19) VCF-style: chr9-35560080-T-C.
Other names: c.3443T>C, p.Val1148Ala (NM_001135999.2); c.809T>C, p.Val270Ala (NM_001330740.2); short protein forms V1148A, V270A.
Identifiers: ClinVar variation 1925661 (VCV001925661.3), dbSNP rs931548887, ClinGen allele CA192759780.

ClinVar aggregate classification (germline): Uncertain significance (1 of 4 stars; one submission).

Allele frequency attached by ClinVar (database versions not stated): gnomAD exomes 0.00001; gnomAD 0.00002; TOPMed 0.00002.
gnomAD v4.1: 7 of 1,613,614 alleles (0.00043%); highest among the groups gnomAD compares: African/African-American, 0.0067%; no homozygotes.

Submission:

Labcorp Genetics (formerly Invitae), Labcorp
Classification: Uncertain significance. Last evaluated: 2025-11-10. Review status: criteria provided, single submitter. Criteria: Invitae Variant Classification Sherloc (09022015). Collection method: clinical testing. Allele origin: germline.
Comment: This sequence change replaces valine, which is neutral and non-polar, with alanine, which is neutral and non-polar, at codon 1148 of the RUSC2 protein (p.Val1148Ala). This variant is not present in population databases (gnomAD no frequency). This variant has not been reported in the literature in individuals affected with RUSC2-related conditions. ClinVar contains an entry for this variant (Variation ID: 1925661). An algorithm developed to predict the effect of missense changes on protein structure and function (PolyPhen-2) suggests that this variant is likely to be disruptive. In summary, the available evidence is currently insufficient to determine the role of this variant in disease. Therefore, it has been classified as a Variant of Uncertain Significance.